The following is an entry in ClinVar:

ClinVar aggregate classification (germline): Uncertain significance (1 of 4 stars; one submission).

Submission:

Labcorp Genetics (formerly Invitae), Labcorp
Classification: Uncertain significance. Last evaluated: 2022-03-23. Review status: criteria provided, single submitter. Criteria: Invitae Variant Classification Sherloc (09022015). Collection method: clinical testing. Allele origin: germline.
Comment: This sequence change replaces arginine, which is basic and polar, with glycine, which is neutral and non-polar, at codon 105 of the TTPA protein (p.Arg105Gly). Information on the frequency of this variant in the gnomAD database is not available, as this variant may be reported differently in the database. This variant has not been reported in the literature in individuals affected with TTPA-related conditions. Experimental studies and prediction algorithms are not available or were not evaluated, and the functional significance of this variant is currently unknown. In summary, the available evidence is currently insufficient to determine the role of this variant in disease. Therefore, it has been classified as a Variant of Uncertain Significance.

NM_000370.3(TTPA):c.312_313delinsAG (p.Arg105Gly)

Gene: TTPA (alpha tocopherol transfer protein; minus strand). Cytogenetic location: 8q12.3.
Variant type: Indel.
Coding change: c.312_313delinsAG on transcript NM_000370.3 (MANE Select); coding-DNA positions 312 to 313, GA replaced by AG.
Protein change: p.Arg105Gly; replaces arginine 105 with glycine.
Molecular consequence: missense variant.
Genome position (GRCh38, 1-based): chr8:63,072,980-63,072,981, TC replaced by CT on the plus strand (GA replaced by AG on the coding strand, the reverse complement: TTPA is on the minus strand). VCF-style: chr8-63072980-TC-CT. GRCh37 (hg19) VCF-style: chr8-63985539-TC-CT.
Other names: c.312_313delGAinsAG, p.Arg105Gly (NM_001413415.1, NM_001413416.1, NM_001413418.1); short protein forms R105G.
Identifiers: ClinVar variation 2115880 (VCV002115880.4), dbSNP rs2487165187, ClinGen allele CA2580078856.